The following is an entry in ClinVar:

ClinVar aggregate classification (germline): Likely benign. Review status: criteria provided, multiple submitters, no conflicts (2 of 4 stars). 3 submissions from 3 submitters: Likely benign (3). Last evaluated 2024-12-26.

Conditions:
ACACB-related disorder. Also called: ACACB-related condition.

Allele frequency attached by ClinVar (database versions not stated): 1000 Genomes Project 30x 0.00016; 1000 Genomes Project 0.00020; ExAC 0.00065; gnomAD exomes 0.00076 and 0.00139; TOPMed 0.00083; gnomAD 0.00084 and 0.00086; ESP Exome Variant Server 0.00123.
gnomAD v4.1: 2,125 of 1,614,134 alleles (0.13%); highest among the groups gnomAD compares: Non-Finnish European, 0.17%; 5 homozygotes.

Submissions (3):

PreventionGenetics, part of Exact Sciences
Classification: Likely benign for ACACB-related condition. Last evaluated: 2024-12-26. Review status: criteria provided, single submitter. Criteria: ACMG Guidelines, 2015. Collection method: clinical testing. Allele origin: germline.
Comment: This variant is classified as likely benign based on ACMG/AMP sequence variant interpretation guidelines (Richards et al. 2015 PMID: 25741868, with internal and published modifications).

Labcorp Genetics (formerly Invitae), Labcorp
Classification: Likely benign. Last evaluated: 2024-04-16. Review status: criteria provided, single submitter. Criteria: Invitae Variant Classification Sherloc (09022015). Collection method: clinical testing. Allele origin: germline.

Breakthrough Genomics
Classification: Likely benign. Review status: criteria provided, single submitter. Criteria: ACMG Guidelines, 2015. Collection method: not provided. Allele origin: germline. Inheritance: Unknown mechanism. Affected: yes.

NM_001093.4(ACACB):c.3845A>G (p.Tyr1282Cys)

Gene: ACACB (acetyl-CoA carboxylase beta; plus strand). Cytogenetic location: 12q24.11.
Variant type: single nucleotide variant.
Coding change: c.3845A>G on transcript NM_001093.4 (MANE Select); coding-DNA position 3845, A replaced by G.
Protein change: p.Tyr1282Cys; replaces tyrosine 1282 with cysteine.
Molecular consequence: missense variant.
Genome position (GRCh38, 1-based): chr12:109,223,867, A>G. VCF-style: chr12-109223867-A-G. GRCh37 (hg19) VCF-style: chr12-109661672-A-G.
Other names: c.3845A>G (NM_001093.3); short protein forms Y1282C.
Identifiers: ClinVar variation 1095637 (VCV001095637.8), dbSNP rs149793040, ClinGen allele CA6774148.
Genomic context (GRCh38, chr12:109,223,867, plus strand): 5'-TCCCTTAGAAATTAATACTTTCGGAAACAACCATCTTCGACGTCCTGCCTACTTTCTTCT[A>G]TCACGCAAACAAAGTCGTGTGCATGGCGTCCTTGGAGGTAAGCAGGAGAGGCCCAGAGAA-3'
Protein context (NP_001084.3, residues 1272-1292): TIFDVLPTFF[Tyr1282Cys]HANKVVCMAS